The following is an entry in ClinVar:

NM_000062.3(SERPING1):c.1108_1115delinsGATGCTCTCAGCCCTTCTGTTTTCAAGGCCATCATGGAGAAACT (p.Met370_Gln372delinsAspAlaLeuSerProSerValPheLysAlaIleMetGluLysLeu)

Gene: SERPING1 (serpin family G member 1; plus strand). Cytogenetic location: 11q12.1.
Variant type: Indel.
Coding change: c.1108_1115delinsGATGCTCTCAGCCCTTCTGTTTTCAAGGCCATCATGGAGAAACT on transcript NM_000062.3 (MANE Select); coding-DNA positions 1108 to 1115, the reference bases replaced by an inserted sequence.
Protein change: p.Met370_Gln372delinsAspAlaLeuSerProSerValPheLysAlaIleMetGluLysLeu.
Molecular consequence: inframe indel.
Genome position (GRCh38, 1-based): chr11:57,611,795-57,611,802, 8 bases replaced. GRCh37 (hg19): chr11:57,379,268-57,379,275.
Other names: c.1108_1115delinsGATGCTCTCAGCCCTTCTGTTTTCAAGGCCATCATGGAGAAACT, p.Met370_Gln372delinsAspAlaLeuSerProSerValPheLysAlaIleMetGluLysLeu (NM_001032295.2).
Identifiers: ClinVar variation 3338292 (VCV003338292.2).

ClinVar aggregate classification (germline): Likely pathogenic (1 of 4 stars; one submission).

Conditions:
Hereditary angioedema type 1 (HAE1). Identifiers: Orphanet 100050, Orphanet 100051, Orphanet 91378, MedGen C2717906, MONDO:0015053, OMIM 106100.

Submission:

DNA-diagnostics Laboratory, Research Centre For Medical Genetics
Classification: Likely pathogenic for Hereditary angioedema type 1. Last evaluated: 2024-08-27. Review status: criteria provided, single submitter. Criteria: ACMG Guidelines, 2015. Collection method: research. Allele origin: germline. Inheritance: Autosomal dominant inheritance. Affected: yes. Observed: 2 variant alleles, 2 heterozygotes.
Comment: The pathogenic or likely pathogenic SERPING1 gene variants are detected in >90% of the HAE1/2 families and in >80% of the total HAE families (e.g., DOI: 10.1016/j.molimm.2008.05.007, 10.1159/2F000138883, 10.1016/j.molimm.2011.07.010). According to our observation the c.1108_1115delins44 variant in SERPING1 meets ACMG/ClinGen SVI guidance criteria to be classified as likely pathogenic: PP4_Str, PM4, PM2_Sup, PP1